The following is an entry in ClinVar:

NM_000277.3(PAH):c.547G>C (p.Glu183Gln)

Gene: PAH (phenylalanine hydroxylase; minus strand). Cytogenetic location: 12q23.2.
Variant type: single nucleotide variant.
Coding change: c.547G>C on transcript NM_000277.3 (MANE Select); coding-DNA position 547, G replaced by C.
Protein change: p.Glu183Gln; replaces glutamic acid 183 with glutamine.
Molecular consequence: missense variant.
Genome position (GRCh38, 1-based): chr12:102,855,295, C>G on the plus strand (G>C on the coding strand, the complement: PAH is on the minus strand). VCF-style: chr12-102855295-C-G. GRCh37 (hg19) VCF-style: chr12-103249073-C-G.
Other names: NM_000277.3(PAH):c.547G>C; c.547G>C, p.Glu183Gln (NM_001354304.2); short protein forms E183Q.
Identifiers: ClinVar variation 102732 (VCV000102732.2), dbSNP rs199475664, ClinGen allele CA229619.

ClinVar aggregate classification (germline): Likely pathogenic. Review status: reviewed by expert panel (3 of 4 stars). 3 submissions from 3 submitters: Likely pathogenic (1). 2 of the submissions do not count toward it. Last evaluated 2025-11-29.

Conditions:
Phenylketonuria (PKU). Also called: Phenylketonuria (PKU); FOLLING DISEASE; OLIGOPHRENIA PHENYLPYRUVICA; Phenylketonurias. Identifiers: Orphanet 716, MedGen C0031485, MONDO:0009861, OMIM 261600. Disease mechanism: loss of function.

Submissions (3):

ClinGen PAH Variant Curation Expert Panel
Classification: Likely pathogenic for Phenylketonuria. Last evaluated: 2025-11-29. Review status: reviewed by expert panel. Criteria: ClinGen PAH ACMG Specifications v1. Collection method: curation. Allele origin: germline. Inheritance: Autosomal recessive inheritance.
Comment: The NM_000277.1(PAH):c.547G>C (p.Glu183Gln) variant is a missense variant predicted to cause substitution of glutamate by glutamine at amino acid 183 (p.Glu183Gln). This patient was compound heterozygous for the variant and a pathogenic variant, R408W. Parental testing not noted to have been performed (PM3_supporting; PMID:24350308). This variant is absent from gnomAD v4.1.0 (PM2_Supporting). The computational predictor REVEL gives a score of 0.939, which meets the threshold of 0.932, evidence that correlates with strong impact to PAH function (PP3_Strong). Another missense variant (c.547_548delinsTT, p.E183L) in the same codon has been classified as likely pathogenic for PAH deficiency by the ClinGen PAH Variant Curation Expert Panel (PM5_Supporting). In summary, this variant meets criteria to be classified as likely pathogenic for PAH. PAH-specific ACMG/AMP criteria applied: PM2_supporting, PM3_supporting, PP4, PP3_strong, PM5_supporting. Version 2.0, 7/16/2024.

GeneDx
Classification: Uncertain significance. Last evaluated: 2022-08-24. Review status: criteria provided, single submitter. Criteria: GeneDx Variant Classification Process June 2021. Collection method: clinical testing. Allele origin: germline. Affected: yes. Not counted in ClinVar's aggregate classification.
Comment: Not observed at significant frequency in large population cohorts (gnomAD); In silico analysis supports that this missense variant has a deleterious effect on protein structure/function; This variant is associated with the following publications: (PMID: 32668217, 10679941)

DeBelle Laboratory for Biochemical Genetics, MUHC/MCH RESEARCH INSTITUTE
No classification provided. Review status: no classification provided. Collection method: not provided. Allele origin: not provided. Not counted in ClinVar's aggregate classification.